The following is an entry in ClinVar:

NM_002224.4(ITPR3):c.6159C>T (p.Ile2053=)

Gene: ITPR3 (inositol 1,4,5-trisphosphate receptor type 3; plus strand). Cytogenetic location: 6p21.31.
Variant type: single nucleotide variant.
Coding change: c.6159C>T on transcript NM_002224.4 (MANE Select); coding-DNA position 6159, C replaced by T.
Protein change: p.Ile2053=; no amino-acid change (isoleucine 2053 retained).
Molecular consequence: synonymous variant.
Genome position (GRCh38, 1-based): chr6:33,687,309, C>T. VCF-style: chr6-33687309-C-T. GRCh37 (hg19) VCF-style: chr6-33655086-C-T.
Identifiers: ClinVar variation 809923 (VCV000809923.43), dbSNP rs368723045, ClinGen allele CA3761793.
Genomic context (GRCh38, chr6:33,687,309, plus strand): 5'-CCTGCAGGAGGAAGAGCGTGAGAACTCGGAGGTGAGCCCACGTGAAGTGGGCCATAACAT[C>T]TATATCCTGGCGCTGCAGGTACCAGTTCCACCCGTGGCAACGGCCATCACCCCCCTGGCC-3'
Protein context (NP_002215.2, residues 2043-2063): EVSPREVGHN[Ile2053=]YILALQLSRH

ClinVar aggregate classification (germline): Likely benign. Review status: criteria provided, multiple submitters, no conflicts (2 of 4 stars). 2 submissions from 2 submitters: Likely benign (2). Last evaluated 2025-03-01.

Allele frequency attached by ClinVar (database versions not stated): gnomAD 0.00017; gnomAD exomes 0.00018 and 0.00026; TOPMed 0.00021; ESP Exome Variant Server 0.00023; ExAC 0.00025.
gnomAD v4.1: 299 of 1,611,372 alleles (0.019%); highest among the groups gnomAD compares: Middle Eastern, 0.15%; no homozygotes.

Submissions (2):

CeGaT Center for Human Genetics Tuebingen
Classification: Likely benign. Last evaluated: 2025-03-01. Review status: criteria provided, single submitter. Criteria: CeGaT Center For Human Genetics Tuebingen Variant Classification Criteria Version 2. Collection method: clinical testing. Allele origin: germline. Affected: yes. Observed: 2 variant alleles.
Comment: ITPR3: BP4

Breakthrough Genomics
Classification: Likely benign. Review status: criteria provided, single submitter. Criteria: ACMG Guidelines, 2015. Collection method: not provided. Allele origin: germline. Inheritance: Autosomal recessive inheritance. Affected: yes.